The following is an entry in ClinVar:

ClinVar aggregate classification (germline): Benign/Likely benign. Review status: criteria provided, multiple submitters, no conflicts (2 of 4 stars). 2 submissions from 2 submitters: Benign (1); Likely benign (1). Last evaluated 2025-11-03.

Conditions:
Alacrima, achalasia, and impaired intellectual development syndrome. Also called: Alacrima, achalasia, and intellectual disability syndrome; Alacrima, achalasia, and mental retardation syndrome. Identifiers: Orphanet 869, MedGen C4706563, MONDO:0014219, OMIM 615510.

Allele frequency attached by ClinVar (database versions not stated): 1000 Genomes Project 0.00040; ExAC 0.00093; 1000 Genomes Project 30x 0.00031; gnomAD 0.00082 and 0.00085; ESP Exome Variant Server 0.00123; TOPMed 0.00100; gnomAD exomes 0.00132.
gnomAD v4.1: 1,095 of 1,607,880 alleles (0.068%); highest among the groups gnomAD compares: Admixed American, 0.037%; 12 homozygotes.

Submissions (2):

Labcorp Genetics (formerly Invitae), Labcorp
Classification: Benign for Alacrima, achalasia, and impaired intellectual development syndrome. Last evaluated: 2025-11-03. Review status: criteria provided, single submitter. Criteria: Invitae Variant Classification Sherloc (09022015). Collection method: clinical testing. Allele origin: germline.

GeneDx
Classification: Likely benign. Last evaluated: 2017-08-22. Review status: criteria provided, single submitter. Criteria: GeneDx Variant Classification (06012015). Collection method: clinical testing. Allele origin: germline. Affected: yes.
Comment: This variant is considered likely benign or benign based on one or more of the following criteria: it is a conservative change, it occurs at a poorly conserved position in the protein, it is predicted to be benign by multiple in silico algorithms, and/or has population frequency not consistent with disease.

NM_013335.4(GMPPA):c.489+16G>A

Genes: ASIC4-AS1 (ASIC4 antisense RNA 1; minus strand), GMPPA (GDP-mannose pyrophosphorylase A; plus strand). Cytogenetic location: 2q35.
Variant type: single nucleotide variant.
Coding change: c.489+16G>A on transcript NM_013335.4 (MANE Select); 16 bases into the intron after coding-DNA position 489, G replaced by A.
Molecular consequence: intron variant.
Genome position (GRCh38, 1-based): chr2:219,502,457, G>A. VCF-style: chr2-219502457-G-A. GRCh37 (hg19) VCF-style: chr2-220367179-G-A.
Other names: c.489+16G>A (NM_205847.3).
Identifiers: ClinVar variation 507436 (VCV000507436.9), dbSNP rs202131537, ClinGen allele CA2128186.